The following is an entry in ClinVar:

ClinVar aggregate classification (germline): Conflicting classifications of pathogenicity. Review status: criteria provided, conflicting classifications (1 of 4 stars). 3 submissions from 3 submitters: Uncertain significance (2); Likely benign (1). Last evaluated 2025-07-15.

Conditions:
Inborn genetic diseases. Identifiers: MedGen C0950123, MeSH D030342.
L-2-hydroxyglutaric aciduria (L2HGA). Identifiers: Orphanet 79314, MedGen C1855995, MONDO:0009370, OMIM 236792, HP:0040144.

Allele frequency attached by ClinVar (database versions not stated): gnomAD exomes 0.00006 and 0.00011; ExAC 0.00007; ESP Exome Variant Server 0.00008; TOPMed 0.00010; gnomAD 0.00013 and 0.00015.
gnomAD v4.1: 183 of 1,613,540 alleles (0.011%); highest among the groups gnomAD compares: Non-Finnish European, 0.014%; no homozygotes.

Submissions (3):

Ambry Genetics
Classification: Uncertain significance for Inborn genetic diseases. Last evaluated: 2025-07-15. Review status: criteria provided, single submitter. Criteria: Ambry Variant Classification Scheme 2023. Collection method: clinical testing. Allele origin: germline.

Labcorp Genetics (formerly Invitae), Labcorp
Classification: Likely benign for L-2-hydroxyglutaric aciduria. Last evaluated: 2025-05-12. Review status: criteria provided, single submitter. Criteria: Invitae Variant Classification Sherloc (09022015). Collection method: clinical testing. Allele origin: germline.

Baylor Genetics
Classification: Uncertain significance for L-2-hydroxyglutaric aciduria. Last evaluated: 2018-12-23. Review status: criteria provided, single submitter. Criteria: ACMG Guidelines, 2015. Collection method: clinical testing. Allele origin: unknown. Affected: yes.
Comment: This variant was determined to be of uncertain significance according to ACMG Guidelines, 2015 [PMID:25741868].

NM_024884.3(L2HGDH):c.1376A>G (p.Gln459Arg)

Gene: L2HGDH (L-2-hydroxyglutarate dehydrogenase; minus strand). Cytogenetic location: 14q21.3.
Variant type: single nucleotide variant.
Coding change: c.1376A>G on transcript NM_024884.3 (MANE Select); coding-DNA position 1376, A replaced by G.
Protein change: p.Gln459Arg; replaces glutamine 459 with arginine.
Molecular consequence: missense variant.
Genome position (GRCh38, 1-based): chr14:50,247,074, T>C on the plus strand (A>G on the coding strand, the complement: L2HGDH is on the minus strand). VCF-style: chr14-50247074-T-C. GRCh37 (hg19) VCF-style: chr14-50713792-T-C.
Other names: short protein forms Q459R.
Identifiers: ClinVar variation 1032202 (VCV001032202.5), dbSNP rs375890787, ClinGen allele CA7177735.
Genomic context (GRCh38, chr14:50,247,074, plus strand): 5'-TGCTGACATGAAGATTACAGTGCATACCTAGCTCCTTTCATTATTTATAATTCAAATCTT[T>C]GTTGTACTTCATCTGCAATCATTCCAGAAATTGCAATGGAAGAAGTAGCAGCAGGAGAAG-3'
Protein context (NP_079160.1, residues 449-463): ISGMIADEVQ[Gln459Arg]RFEL